The following is an entry in ClinVar:

ClinVar aggregate classification (germline): Pathogenic (1 of 4 stars; one submission).

Conditions:
Hypogonadotropic hypogonadism 2 with or without anosmia (HH2). Also called: FGFR1-Related GnRH Deficiency (Kallmann Syndrome 2); HYPOGONADOTROPIC HYPOGONADISM 2 WITHOUT ANOSMIA; HYPOGONADOTROPIC HYPOGONADISM 2 WITH OR WITHOUT ANOSMIA, SUSCEPTIBILITY TO; HYPOGONADOTROPIC HYPOGONADISM 2 WITHOUT ANOSMIA, SUSCEPTIBILITY TO. Identifiers: Orphanet 478, MedGen C1563720, MONDO:0007844, OMIM 147950. Disease mechanism: loss of function.

Submission:

Reproductive Endocrine Unit, Massachusetts General Hospital
Classification: Pathogenic for Hypogonadotropic hypogonadism 2 with or without anosmia. Last evaluated: 2023-05-04. Review status: criteria provided, single submitter. Criteria: ACMG Guidelines, 2015. Collection method: research. Allele origin: inherited. Affected: yes. Observed: 1 variant allele.
Comment: The variant NM_023110.2:c.1430+1del, has been classified as P1c based on the variant meeting the following ACMG Criteria: PVS1,PM2,PP3.

NM_023110.3(FGFR1):c.1430+1del

Gene: FGFR1 (fibroblast growth factor receptor 1; minus strand). Cytogenetic location: 8p11.23.
Variant type: Deletion.
Coding change: c.1430+1del on transcript NM_023110.3 (MANE Select); the canonical splice donor site of the intron after coding-DNA position 1430, one base deleted (G; older notation c.1430+1delG).
Molecular consequence: splice donor variant.
Genome position (GRCh38, 1-based): chr8:38,418,227, C deleted on the plus strand (G on the coding strand, the reverse complement: FGFR1 is on the minus strand); the first of 2 consecutive C bases (chr8:38,418,227-38,418,228); deleting either gives the same sequence. VCF-style (leftmost placement, unchanged base first): chr8-38418226-AC-A. GRCh37 (hg19) VCF-style: chr8-38275744-AC-A.
Other names: c.1151+1del (NM_001354368.2); c.1157+1del (NM_001354370.2, NM_023106.3); c.1163+1del (NM_023105.3, NM_001174066.2); c.1424+1del (NM_001354367.2, NM_015850.4, NM_001174063.2 and 1 more transcripts); c.1400+1del (NM_001174064.2); c.1418+1del (NM_001354369.2, NM_001410922.1); c.1523+1del (NM_001174067.2).
Identifiers: ClinVar variation 2505388 (VCV002505388.1), dbSNP rs2536926716, ClinGen allele CA2580614543.